The following is an entry in ClinVar:

ClinVar aggregate classification (germline): Likely benign. Review status: criteria provided, multiple submitters, no conflicts (2 of 4 stars). 4 submissions from 4 submitters: Likely benign (4). Last evaluated 2026-08-26.

Conditions:
Inborn genetic diseases. Identifiers: MedGen C0950123, MeSH D030342.
CIC-related disorder. Also called: CIC-related condition.

Allele frequency attached by ClinVar (database versions not stated): gnomAD exomes 0.00010 and 0.00021; gnomAD 0.00013 and 0.00015; ExAC 0.00015; 1000 Genomes Project 0.00020; TOPMed 0.00023; 1000 Genomes Project 30x 0.00031.
gnomAD v4.1: 182 of 1,610,978 alleles (0.011%); highest among the groups gnomAD compares: Admixed American, 0.11%; 1 homozygote.

Submissions (4):

PreventionGenetics, part of Exact Sciences
Classification: Likely benign for CIC-related condition. Last evaluated: 2026-08-26. Review status: criteria provided, single submitter. Criteria: ACMG Guidelines, 2015. Collection method: clinical testing. Allele origin: germline.
Comment: This variant is classified as likely benign based on ACMG/AMP sequence variant interpretation guidelines (Richards et al. 2015 PMID: 25741868, with internal and published modifications).

CeGaT Center for Human Genetics Tuebingen
Classification: Likely benign. Last evaluated: 2026-02-01. Review status: criteria provided, single submitter. Criteria: CeGaT Center For Human Genetics Tuebingen Variant Classification Criteria Version 2. Collection method: clinical testing. Allele origin: germline. Affected: yes. Observed: 1 variant allele.
Comment: CIC: BS1

Ambry Genetics
Classification: Likely benign for Inborn genetic diseases. Last evaluated: 2021-08-13. Review status: criteria provided, single submitter. Criteria: Ambry Variant Classification Scheme 2023. Collection method: clinical testing. Allele origin: germline.

Labcorp Genetics (formerly Invitae), Labcorp
Classification: Likely benign. Last evaluated: 2018-06-15. Review status: criteria provided, single submitter. Criteria: Invitae Variant Classification Sherloc (09022015). Collection method: clinical testing. Allele origin: germline.

NM_001386298.1(CIC):c.5857T>C (p.Ser1953Pro)

Gene: CIC (capicua transcriptional repressor; plus strand). Cytogenetic location: 19q13.2.
Variant type: single nucleotide variant.
Coding change: c.5857T>C on transcript NM_001386298.1 (MANE Select); coding-DNA position 5857, T replaced by C.
Protein change: p.Ser1953Pro; replaces serine 1953 with proline.
Molecular consequence: missense variant.
Genome position (GRCh38, 1-based): chr19:42,292,421, T>C. VCF-style: chr19-42292421-T-C. GRCh37 (hg19) VCF-style: chr19-42796573-T-C.
Other names: c.5857T>C, p.Ser1953Pro (NM_001304815.2, NM_001379480.1, NM_001379482.1); c.3130T>C, p.Ser1044Pro (NM_001379484.1, NM_001379485.1, NM_015125.5); c.3130T>C (NM_015125.3); short protein forms S1953P, S1044P.
Identifiers: ClinVar variation 735244 (VCV000735244.11), dbSNP rs555135145, ClinGen allele CA9472525.